The following is an entry in ClinVar:

NM_000057.4(BLM):c.3458del (p.Lys1153fs)

Gene: BLM (BLM RecQ like helicase; plus strand). Cytogenetic location: 15q26.1.
Variant type: Deletion.
Coding change: c.3458del on transcript NM_000057.4 (MANE Select); coding-DNA position 3458, one base deleted (A; older notation c.3458delA).
Protein change: p.Lys1153fs; shifts the reading frame from lysine 1153.
Molecular consequence: frameshift variant. On other transcripts: intron variant (1).
Genome position (GRCh38, 1-based): chr15:90,803,620, A deleted; the last of 2 consecutive A bases (chr15:90,803,619-90,803,620); deleting either gives the same sequence. VCF-style (leftmost placement, unchanged base first): chr15-90803618-CA-C. GRCh37 (hg19) VCF-style: chr15-91346848-CA-C.
Other names: c.3458del, p.Lys1153fs (NM_001287246.2); c.2333del, p.Lys778fs (NM_001287248.2); c.3358+5283del (NM_001287247.2); short protein forms K778fs, K1153fs.
Identifiers: ClinVar variation 4701153 (VCV004701153.1).

ClinVar aggregate classification (germline): Pathogenic (1 of 4 stars; one submission).

Conditions:
Bloom syndrome (BLM). Also called: Bloom-Torre-Machacek syndrome. Identifiers: Orphanet 125, MedGen C0005859, MONDO:0008876, OMIM 210900.

Submission:

Labcorp Genetics (formerly Invitae), Labcorp
Classification: Pathogenic for Bloom syndrome. Last evaluated: 2025-09-24. Review status: criteria provided, single submitter. Criteria: Invitae Variant Classification Sherloc (09022015). Collection method: clinical testing. Allele origin: germline.
Comment: This sequence change creates a premature translational stop signal (p.Lys1153Argfs*19) in the BLM gene. It is expected to result in an absent or disrupted protein product. Loss-of-function variants in BLM are known to be pathogenic (PMID: 17407155). This variant is not present in population databases (gnomAD no frequency). This variant has not been reported in the literature in individuals affected with BLM-related conditions. For these reasons, this variant has been classified as Pathogenic.

Literature cited by the submitters: PubMed 17407155.